The following is an entry in ClinVar:

ClinVar aggregate classification (germline): Benign/Likely benign. Review status: criteria provided, multiple submitters, no conflicts (2 of 4 stars). 6 submissions from 6 submitters: Benign (5); Likely benign (1). Last evaluated 2026-02-01.

Conditions:
Tumoral calcinosis, hyperphosphatemic, familial, 3. Identifiers: MedGen C4693864, MONDO:0060715, OMIM 617994.

Allele frequency attached by ClinVar (database versions not stated): ESP Exome Variant Server 0.00415; gnomAD exomes 0.00846 and 0.02926; gnomAD 0.01461 and 0.01606; TOPMed 0.02120; ExAC 0.02587; 1000 Genomes Project 30x 0.03654; 1000 Genomes Project 0.03894.
gnomAD v4.1: 15,010 of 1,614,160 alleles (0.93%); highest among the groups gnomAD compares: Admixed American, 10%; 692 homozygotes.

Submissions (6):

Labcorp Genetics (formerly Invitae), Labcorp
Classification: Benign. Last evaluated: 2026-02-01. Review status: criteria provided, single submitter. Criteria: Invitae Variant Classification Sherloc (09022015). Collection method: clinical testing. Allele origin: germline.

Blueprint Genetics
Classification: Likely benign. Last evaluated: 2024-11-27. Review status: criteria provided, single submitter. Criteria: ACMG Guidelines, 2015. Collection method: clinical testing. Allele origin: germline.

Mayo Clinic Laboratories, Mayo Clinic
Classification: Benign. Last evaluated: 2023-04-03. Review status: criteria provided, single submitter. Criteria: ACMG Guidelines, 2015. Collection method: clinical testing. Allele origin: germline. Observed: 7 variant alleles.

GeneDx
Classification: Benign. Last evaluated: 2021-05-05. Review status: criteria provided, single submitter. Criteria: GeneDx Variant Classification Process June 2021. Collection method: clinical testing. Allele origin: germline. Affected: yes.

Illumina Laboratory Services, Illumina
Classification: Benign for Tumoral calcinosis, hyperphosphatemic, familial, 3. Last evaluated: 2018-01-13. Review status: criteria provided, single submitter. Criteria: ICSL Variant Classification Criteria 13 December 2019. Collection method: clinical testing. Allele origin: germline.
Comment: This variant was observed in the ICSL laboratory as part of a predisposition screen in an ostensibly healthy population. It had not been previously curated by ICSL or reported in the Human Gene Mutation Database (HGMD: prior to June 1st, 2018), and was therefore a candidate for classification through an automated scoring system. Utilizing variant allele frequency, disease prevalence and penetrance estimates, and inheritance mode, an automated score was calculated to assess if this variant is too frequent to cause the disease. Based on the score and internal cut-off values, a variant classified as benign is not then subjected to further curation. The score for this variant resulted in a classification of benign for this disease.

Breakthrough Genomics
Classification: Benign. Review status: criteria provided, single submitter. Criteria: ACMG Guidelines, 2015. Collection method: not provided. Allele origin: germline. Inheritance: Autosomal recessive inheritance. Affected: yes.

NM_004795.4(KL):c.1540C>T (p.Pro514Ser)

Gene: KL (klotho; plus strand). Cytogenetic location: 13q13.1.
Variant type: single nucleotide variant.
Coding change: c.1540C>T on transcript NM_004795.4 (MANE Select); coding-DNA position 1540, C replaced by T.
Protein change: p.Pro514Ser; replaces proline 514 with serine.
Molecular consequence: missense variant.
Genome position (GRCh38, 1-based): chr13:33,055,256, C>T. VCF-style: chr13-33055256-C-T. GRCh37 (hg19) VCF-style: chr13-33629393-C-T.
Other names: short protein forms P514S.
Identifiers: ClinVar variation 311695 (VCV000311695.18), dbSNP rs3752472, ClinGen allele CA6944118.